The following is an entry in ClinVar:

ClinVar aggregate classification (germline): Pathogenic (1 of 4 stars; one submission).

Conditions:
Polycystic kidney disease 4 (PKD4). Also called: PKD3; Autosomal Recessive Polycystic Kidney Disease – PKHD1; POLYCYSTIC KIDNEY AND HEPATIC DISEASE 1; POLYCYSTIC KIDNEY DISEASE, INFANTILE, TYPE I; POLYCYSTIC KIDNEY DISEASE 4 WITH OR WITHOUT POLYCYSTIC LIVER DISEASE. Identifiers: MedGen C4540575, MONDO:0033004, OMIM 263200.

Submission:

Myriad Genetics, Inc.
Classification: Pathogenic for Polycystic kidney disease 4. Last evaluated: 2025-05-06. Review status: criteria provided, single submitter. Criteria: Myriad Autosomal Dominant, Autosomal Recessive and X-Linked Classification Criteria (2023). Collection method: clinical testing. Allele origin: unknown.
Comment: NM_138694.3(PKHD1):c.3208C>T(Q1070*) is expected to be pathogenic in the context of autosomal recessive polycystic kidney disease, PKHD1-related. This variant is predicted to lead to an abnormal or absent protein product due to the creation of a premature termination codon in PKHD1, a gene where loss-of-function variants are known to be pathogenic. Please note: this variant was assessed in the context of healthy population screening.

NM_138694.4(PKHD1):c.3208C>T (p.Gln1070Ter)

Gene: PKHD1 (PKHD1 ciliary IPT domain containing fibrocystin/polyductin; minus strand). Cytogenetic location: 6p12.2.
Variant type: single nucleotide variant.
Coding change: c.3208C>T on transcript NM_138694.4 (MANE Select); coding-DNA position 3208, C replaced by T.
Protein change: p.Gln1070Ter; replaces glutamine 1070 with a stop codon.
Molecular consequence: nonsense.
Genome position (GRCh38, 1-based): chr6:52,035,611, G>A on the plus strand (C>T on the coding strand, the complement: PKHD1 is on the minus strand). VCF-style: chr6-52035611-G-A. GRCh37 (hg19) VCF-style: chr6-51900409-G-A.
Other names: c.3208C>T, p.Gln1070Ter (NM_170724.3); short protein forms Q1070*.
Identifiers: ClinVar variation 5014389 (VCV005014389.1).